The following is an entry in ClinVar:

ClinVar aggregate classification (germline): Pathogenic/Likely pathogenic. Review status: criteria provided, multiple submitters, no conflicts (2 of 4 stars). 3 submissions from 3 submitters: Pathogenic (1); Likely pathogenic (1). 1 of the submissions does not count toward it. Last evaluated 2025-08-16.

Conditions:
Retinal dystrophy. Also called: Inherited retinal dystrophy. Identifiers: Orphanet 71862, MedGen C0854723, MeSH D058499, MONDO:0019118, HP:0000556.

Submissions (3):

Labcorp Genetics (formerly Invitae), Labcorp
Classification: Pathogenic. Last evaluated: 2025-08-16. Review status: criteria provided, single submitter. Criteria: Invitae Variant Classification Sherloc (09022015). Collection method: clinical testing. Allele origin: germline.
Comment: This sequence change creates a premature translational stop signal (p.His855Thrfs*18) in the TOPORS gene. While this is not anticipated to result in nonsense mediated decay, it is expected to disrupt the last 191 amino acid(s) of the TOPORS protein. This variant is not present in population databases (gnomAD no frequency). This premature translational stop signal has been observed in individuals with retinitis pigmentosa (PMID: 37734845; internal data). ClinVar contains an entry for this variant (Variation ID: 987446). This variant is located in a region of the TOPORS protein where a significant number of TOPORS nonsense and frameshift mutations have been reported in association with autosomal dominant retinitis pigmentosa (PMID: 35579903, 17924349, 32531858). For these reasons, this variant has been classified as Pathogenic.

Institute of Medical Genetics and Applied Genomics, University Hospital Tübingen
Classification: Likely pathogenic. Last evaluated: 2020-10-23. Review status: criteria provided, single submitter. Criteria: ACMG Guidelines, 2015. Collection method: clinical testing. Allele origin: germline. Inheritance: Autosomal dominant inheritance. Affected: yes.

Institute of Human Genetics, Univ. Regensburg, Univ. Regensburg
Classification: Pathogenic for Retinal dystrophy. Last evaluated: 2017-01-01. Review status: no assertion criteria provided. Criteria: ACMG Guidelines, 2015. Collection method: clinical testing. Allele origin: germline. Affected: yes. Not counted in ClinVar's aggregate classification.

Literature cited by the submitters: PubMed 37734845 (cited by Labcorp Genetics (formerly Invitae), Labcorp); PubMed 35579903 (cited by Labcorp Genetics (formerly Invitae), Labcorp); PubMed 17924349 (cited by Labcorp Genetics (formerly Invitae), Labcorp); PubMed 32531858 (cited by Labcorp Genetics (formerly Invitae), Labcorp).

NM_005802.5(TOPORS):c.2558_2559insT (p.His855fs)

Gene: TOPORS (TOP1 binding arginine/serine rich protein, E3 ubiquitin ligase; minus strand). Cytogenetic location: 9p21.1.
Variant type: Insertion.
Coding change: c.2558_2559insT on transcript NM_005802.5 (MANE Select); coding-DNA positions 2558 to 2559, T inserted.
Protein change: p.His855fs; shifts the reading frame from histidine 855.
Molecular consequence: frameshift variant.
Genome position: GRCh38 VCF-style: chr9-32541966-T-TA. GRCh37 (hg19) VCF-style: chr9-32541964-T-TA.
Other names: c.2363_2364insT, p.His790fs (NM_001195622.2); short protein forms H790fs, H855fs.
Identifiers: ClinVar variation 987446 (VCV000987446.4), dbSNP rs1821069769, ClinGen allele CA1139660905.